The following is an entry in ClinVar:

NM_000492.4(CFTR):c.3623G>T (p.Gly1208Val)

Genes: CFTR (CF transmembrane conductance regulator; plus strand), CFTR-AS2 (CFTR antisense RNA 2; minus strand). Cytogenetic location: 7q31.2.
Variant type: single nucleotide variant.
Coding change: c.3623G>T on transcript NM_000492.4 (MANE Select); coding-DNA position 3623, G replaced by T.
Protein change: p.Gly1208Val; replaces glycine 1208 with valine.
Molecular consequence: missense variant.
Genome position (GRCh38, 1-based): chr7:117,627,676, G>T. VCF-style: chr7-117627676-G-T. GRCh37 (hg19) VCF-style: chr7-117267730-G-T.
Other names: short protein forms G1208V.
Identifiers: ClinVar variation 3491711 (VCV003491711.1).
Genomic context (GRCh38, chr7:117,627,676, plus strand): 5'-CGAAAGTTATGATTATTGAGAATTCACACGTGAAGAAAGATGACATCTGGCCCTCAGGGG[G>T]CCAAATGACTGTCAAAGATCTCACAGCAAAATACACAGAAGGTGGAAATGCCATATTAGA-3'
Protein context (NP_000483.3, residues 1198-1218): VKKDDIWPSG[Gly1208Val]QMTVKDLTAK

ClinVar aggregate classification (germline): Uncertain significance (1 of 4 stars; one submission).

Conditions:
Cystic fibrosis (CF). Also called: MUCOVISCIDOSIS. Identifiers: Orphanet 586, MedGen C0010674, MONDO:0009061, OMIM 219700. Disease mechanism: loss of function.

Submission:

Ambry Genetics
Classification: Uncertain significance for Cystic fibrosis. Last evaluated: 2024-12-04. Review status: criteria provided, single submitter. Criteria: Ambry Variant Classification Scheme 2023. Collection method: clinical testing. Allele origin: germline.
Comment: The p.G1208V variant (also known as c.3623G>T), located in coding exon 22 of the CFTR gene, results from a G to T substitution at nucleotide position 3623. The glycine at codon 1208 is replaced by valine, an amino acid with dissimilar properties. This amino acid position is conserved. In addition, this alteration is predicted to be deleterious by in silico analysis. Based on the available evidence, the clinical significance of this variant remains unclear.